The following is an entry in ClinVar:

ClinVar aggregate classification (germline): Uncertain significance (1 of 4 stars; one submission).

Conditions:
Congenital sideroblastic anemia-B-cell immunodeficiency-periodic fever-developmental delay syndrome. Also called: Sideroblastic anemia with B-cell immunodeficiency, periodic fevers, and developmental delay. Identifiers: Orphanet 369861, MedGen C4015172, MONDO:0014487, OMIM 616084.

gnomAD v4.1: 4 of 1,613,906 alleles (0.00025%); highest among the groups gnomAD compares: Non-Finnish European, 0.00034%; no homozygotes.

Submission:

Labcorp Genetics (formerly Invitae), Labcorp
Classification: Uncertain significance for Congenital sideroblastic anemia-B-cell immunodeficiency-periodic fever-developmental delay syndrome. Last evaluated: 2022-09-07. Review status: criteria provided, single submitter. Criteria: Invitae Variant Classification Sherloc (09022015). Collection method: clinical testing. Allele origin: germline.
Comment: This sequence change replaces glycine, which is neutral and non-polar, with arginine, which is basic and polar, at codon 405 of the TRNT1 protein (p.Gly405Arg). In summary, the available evidence is currently insufficient to determine the role of this variant in disease. Therefore, it has been classified as a Variant of Uncertain Significance. Algorithms developed to predict the effect of missense changes on protein structure and function are either unavailable or do not agree on the potential impact of this missense change (SIFT: "Tolerated"; PolyPhen-2: "Possibly Damaging"; Align-GVGD: "Class C0"). This variant has not been reported in the literature in individuals affected with TRNT1-related conditions. This variant is not present in population databases (gnomAD no frequency).

NM_182916.3(TRNT1):c.1213G>C (p.Gly405Arg)

Gene: TRNT1 (tRNA nucleotidyl transferase 1; plus strand). Cytogenetic location: 3p26.2.
Variant type: single nucleotide variant.
Coding change: c.1213G>C on transcript NM_182916.3 (MANE Select); coding-DNA position 1213, G replaced by C.
Protein change: p.Gly405Arg; replaces glycine 405 with arginine.
Molecular consequence: missense variant. On other transcripts: non-coding transcript variant (8).
Genome position (GRCh38, 1-based): chr3:3,148,062, G>C. VCF-style: chr3-3148062-G-C. GRCh37 (hg19) VCF-style: chr3-3189746-G-C.
Other names: c.1153G>C, p.Gly385Arg (NM_001302946.2); c.1213G>C, p.Gly405Arg (NM_001367321.1, NM_001367322.1, NM_001367323.1); short protein forms G385R, G405R.
Identifiers: ClinVar variation 2047880 (VCV002047880.4), dbSNP rs769675548, ClinGen allele CA351449050.